The following is an entry in ClinVar:

NM_003954.5(MAP3K14):c.1991C>T (p.Pro664Leu)

Genes: MAP3K14 (mitogen-activated protein kinase kinase kinase 14; minus strand), MAP3K14-AS1 (MAP3K14 antisense RNA 1; plus strand), LOC126862575 (CDK7 strongly-dependent group 2 enhancer GRCh37_chr17:43344006-43345205; plus strand). Cytogenetic location: 17q21.31.
Variant type: single nucleotide variant.
Coding change: c.1991C>T on transcript NM_003954.5 (MANE Select); coding-DNA position 1991, C replaced by T.
Protein change: p.Pro664Leu; replaces proline 664 with leucine.
Molecular consequence: missense variant.
Genome position (GRCh38, 1-based): chr17:45,267,741, G>A on the plus strand (C>T on the coding strand, the complement: MAP3K14 is on the minus strand). VCF-style: chr17-45267741-G-A. GRCh37 (hg19) VCF-style: chr17-43345108-G-A.
Other names: short protein forms P664L.
Identifiers: ClinVar variation 4891514 (VCV004891514.1).

ClinVar aggregate classification (germline): Uncertain significance (1 of 4 stars; one submission).

gnomAD v4.1: 12 of 1,611,186 alleles (0.00074%); highest among the groups gnomAD compares: Non-Finnish European, 0.00093%; no homozygotes.

Submission:

GeneDx
Classification: Uncertain significance. Last evaluated: 2022-08-31. Review status: criteria provided, single submitter. Criteria: GeneDx Variant Classification Process June 2021. Collection method: clinical testing. Allele origin: germline.
Comment: Not observed at significant frequency in large population cohorts (gnomAD); In silico analysis supports that this missense variant has a deleterious effect on protein structure/function; In-silico analysis is inconclusive as to whether the variant alters gene splicing. In the absence of RNA/functional studies, the actual effect of this sequence change is unknown.; Has not been previously published as pathogenic or benign to our knowledge; Variants in candidate genes are classified as variants of uncertain significance in accordance with ACMG guidelines (Richards et al., 2015)